The following is an entry in ClinVar:

NM_001164508.2(NEB):c.10201T>A (p.Ser3401Thr)

Gene: NEB (nebulin; minus strand). Cytogenetic location: 2q23.3.
Variant type: single nucleotide variant.
Coding change: c.10201T>A on transcript NM_001164508.2 (MANE Select); coding-DNA position 10201, T replaced by A.
Protein change: p.Ser3401Thr; replaces serine 3401 with threonine.
Molecular consequence: missense variant.
Genome position (GRCh38, 1-based): chr2:151,627,148, A>T on the plus strand (T>A on the coding strand, the complement: NEB is on the minus strand). VCF-style: chr2-151627148-A-T. GRCh37 (hg19) VCF-style: chr2-152483662-A-T.
Other names: c.10201T>A, p.Ser3401Thr (NM_001164507.2, NM_001271208.2); c.9472T>A, p.Ser3158Thr (NM_004543.5); short protein forms S3401T, S3158T.
Identifiers: ClinVar variation 198367 (VCV000198367.28), dbSNP rs199847072, ClinGen allele CA246982.
Genomic context (GRCh38, chr2:151,627,148, plus strand): 5'-GGCGGTAGATGTTATCACTCAGTATTTCAGCAGCTCTCTTGCACTTGACCACATCCATAG[A>T]CCCAATGGGGACCCAGCCAATGCCTCTCAGCCACTGGAGATCAGATTTGTAAATGTTCTG-3'
Protein context (NP_001157980.2, residues 3391-3411): LRGIGWVPIG[Ser3401Thr]MDVVKCKRAA

ClinVar aggregate classification (germline): Conflicting classifications of pathogenicity. Review status: criteria provided, conflicting classifications (1 of 4 stars). 13 submissions from 13 submitters: Uncertain significance (7); Likely benign (1). 5 of the submissions do not count toward it. Last evaluated 2024-11-14.

Conditions:
NEB-related disorder. Also called: NEB-Related Disorders; NEB-related condition.
Inborn genetic diseases. Identifiers: MedGen C0950123, MeSH D030342.
Nemaline myopathy 2 (NEM2). Also called: Nemaline myopathy 2, autosomal recessive. Identifiers: MedGen C1850569, MONDO:0009725, OMIM 256030.

Allele frequency attached by ClinVar (database versions not stated): 1000 Genomes Project 0.00020; 1000 Genomes Project 30x 0.00031; gnomAD exomes 0.00038 and 0.00082; ExAC 0.00041; ESP Exome Variant Server 0.00049; gnomAD 0.00049; TOPMed 0.00052.
gnomAD v4.1: 1,307 of 1,613,890 alleles (0.081%); highest among the groups gnomAD compares: Non-Finnish European, 0.1%; no homozygotes.

Submissions (13):

Blueprint Genetics
Classification: Uncertain significance. Last evaluated: 2024-11-14. Review status: criteria provided, single submitter. Criteria: ACMG Guidelines, 2015. Collection method: clinical testing. Allele origin: germline.

Revvity Omics, Revvity
Classification: Uncertain significance. Last evaluated: 2024-08-29. Review status: criteria provided, single submitter. Criteria: ACMG Guidelines, 2015. Collection method: clinical testing. Allele origin: germline.

Women's Health and Genetics/Laboratory Corporation of America, LabCorp
Classification: Uncertain significance. Last evaluated: 2024-04-29. Review status: criteria provided, single submitter. Criteria: LabCorp Variant Classification Summary - May 2015. Collection method: clinical testing. Allele origin: germline.
Comment: Variant summary: NEB c.10201T>A (p.Ser3401Thr) results in a conservative amino acid change in the encoded protein sequence. Three of five in-silico tools predict a damaging effect of the variant on protein function. The variant allele was found at a frequency of 0.00038 in 249134 control chromosomes. This frequency is not significantly higher than estimated for a pathogenic variant in NEB causing Nemaline Myopathy 2 (0.00038 vs 0.0035), allowing no conclusion about variant significance. To our knowledge, no occurrence of c.10201T>A in individuals affected with Nemaline Myopathy 2 and no experimental evidence demonstrating its impact on protein function have been reported. ClinVar contains an entry for this variant (Variation ID: 198367). Based on the evidence outlined above, the variant was classified as uncertain significance.

Labcorp Genetics (formerly Invitae), Labcorp
Classification: Uncertain significance for Nemaline myopathy 2. Last evaluated: 2022-10-04. Review status: criteria provided, single submitter. Criteria: Invitae Variant Classification Sherloc (09022015). Collection method: clinical testing. Allele origin: germline.
Comment: This sequence change replaces serine, which is neutral and polar, with threonine, which is neutral and polar, at codon 3401 of the NEB protein (p.Ser3401Thr). This variant is present in population databases (rs199847072, gnomAD 0.07%). This missense change has been observed in individual(s) with clinical features of NEB-related conditions (Invitae). ClinVar contains an entry for this variant (Variation ID: 198367). Algorithms developed to predict the effect of missense changes on protein structure and function are either unavailable or do not agree on the potential impact of this missense change (SIFT: "Deleterious"; PolyPhen-2: "Not Available"; Align-GVGD: "Class C0"). In summary, the available evidence is currently insufficient to determine the role of this variant in disease. Therefore, it has been classified as a Variant of Uncertain Significance.

Ambry Genetics
Classification: Uncertain significance for Inborn genetic diseases. Last evaluated: 2021-10-06. Review status: criteria provided, single submitter. Criteria: Ambry Variant Classification Scheme 2023. Collection method: clinical testing. Allele origin: germline.

GeneDx
Classification: Likely benign. Last evaluated: 2020-04-13. Review status: criteria provided, single submitter. Criteria: GeneDx Variant Classification Process June 2021. Collection method: clinical testing. Allele origin: germline. Affected: yes.
Comment: This variant is associated with the following publications: (PMID: 25205138)

Illumina Laboratory Services, Illumina
Classification: Uncertain significance for Nemaline myopathy 2. Last evaluated: 2017-04-27. Review status: criteria provided, single submitter. Criteria: ICSL Variant Classification Criteria 13 December 2019. Collection method: clinical testing. Allele origin: germline.

Eurofins Ntd Llc (ga)
Classification: Uncertain significance. Last evaluated: 2015-02-05. Review status: criteria provided, single submitter. Criteria: EGL Classification Definitions 2015. Collection method: clinical testing. Allele origin: germline.

PreventionGenetics, part of Exact Sciences
Classification: Likely benign for NEB-related condition. Last evaluated: 2022-01-27. Review status: no assertion criteria provided. Collection method: clinical testing. Allele origin: germline. Not counted in ClinVar's aggregate classification.
Comment: This variant is classified as likely benign based on ACMG/AMP sequence variant interpretation guidelines (Richards et al. 2015 PMID: 25741868, with internal and published modifications).

Natera, Inc.
Classification: Uncertain significance for Nemaline myopathy type 2. Last evaluated: 2020-01-03. Review status: no assertion criteria provided. Collection method: clinical testing. Allele origin: germline. Not counted in ClinVar's aggregate classification.

Clinical Genetics DNA and cytogenetics Diagnostics Lab, Erasmus MC, Erasmus Medical Center
Classification: Uncertain significance. Review status: no assertion criteria provided. Collection method: clinical testing. Allele origin: germline. Affected: yes. Study: VKGL Data-share Consensus. Not counted in ClinVar's aggregate classification.

Joint Genome Diagnostic Labs from Nijmegen and Maastricht, Radboudumc and MUMC+
Classification: Uncertain significance. Review status: no assertion criteria provided. Collection method: clinical testing. Allele origin: germline. Affected: yes. Study: VKGL Data-share Consensus. Not counted in ClinVar's aggregate classification.

Laboratory of Diagnostic Genome Analysis, Leiden University Medical Center (LUMC)
Classification: Uncertain significance. Review status: no assertion criteria provided. Collection method: clinical testing. Allele origin: germline. Affected: yes. Study: VKGL Data-share Consensus. Not counted in ClinVar's aggregate classification.